The following is an entry in ClinVar:

ClinVar aggregate classification (germline): Benign. Review status: criteria provided, multiple submitters, no conflicts (2 of 4 stars). 7 submissions from 7 submitters: Benign (6). 1 of the submissions does not count toward it. Last evaluated 2026-01-28.

Conditions:
Deafness-encephaloneuropathy-obesity-valvulopathy syndrome. Identifiers: Orphanet 254898, MedGen C3553354, MONDO:0013837, OMIM 614651.

Allele frequency attached by ClinVar (database versions not stated): gnomAD exomes 0.00243; ExAC 0.00723; 1000 Genomes Project 30x 0.02202; 1000 Genomes Project 0.02216; gnomAD 0.02260 and 0.02444; TOPMed 0.02492.

Submissions (7):

Labcorp Genetics (formerly Invitae), Labcorp
Classification: Benign. Last evaluated: 2026-01-28. Review status: criteria provided, single submitter. Criteria: Invitae Variant Classification Sherloc (09022015). Collection method: clinical testing. Allele origin: germline.

Mayo Clinic Laboratories, Mayo Clinic
Classification: Benign. Last evaluated: 2019-07-03. Review status: criteria provided, single submitter. Criteria: ACMG Guidelines, 2015. Collection method: clinical testing. Allele origin: germline. Observed: 25 variant alleles.

Illumina Laboratory Services, Illumina
Classification: Benign for Deafness-encephaloneuropathy-obesity-valvulopathy syndrome. Last evaluated: 2018-01-13. Review status: criteria provided, single submitter. Criteria: ICSL Variant Classification Criteria 13 December 2019. Collection method: clinical testing. Allele origin: germline.
Comment: This variant was observed in the ICSL laboratory as part of a predisposition screen in an ostensibly healthy population. It had not been previously curated by ICSL or reported in the Human Gene Mutation Database (HGMD: prior to June 1st, 2018), and was therefore a candidate for classification through an automated scoring system. Utilizing variant allele frequency, disease prevalence and penetrance estimates, and inheritance mode, an automated score was calculated to assess if this variant is too frequent to cause the disease. Based on the score and internal cut-off values, a variant classified as benign is not then subjected to further curation. The score for this variant resulted in a classification of benign for this disease.

Genome Diagnostics Laboratory, University Medical Center Utrecht
Classification: Benign for Deafness-encephaloneuropathy-obesity-valvulopathy syndrome. Last evaluated: 2016-05-26. Review status: criteria provided, single submitter. Criteria: ACGS Guidelines, 2013. Collection method: clinical testing. Allele origin: germline. Affected: yes. Study: VKGL Data-share Consensus.

GeneDx
Classification: Benign. Last evaluated: 2013-06-03. Review status: criteria provided, single submitter. Criteria: GeneDx Variant Classification (06012015). Collection method: clinical testing. Allele origin: germline. Affected: yes.
Comment: This variant is considered likely benign or benign based on one or more of the following criteria: it is a conservative change, it occurs at a poorly conserved position in the protein, it is predicted to be benign by multiple in silico algorithms, and/or has population frequency not consistent with disease.

Breakthrough Genomics
Classification: Benign. Review status: criteria provided, single submitter. Criteria: ACMG Guidelines, 2015. Collection method: not provided. Allele origin: germline. Inheritance: Autosomal recessive inheritance. Affected: yes.

Clinical Genetics, Academic Medical Center
Classification: Likely benign. Review status: no assertion criteria provided. Collection method: clinical testing. Allele origin: germline. Affected: yes. Study: VKGL Data-share Consensus. Not counted in ClinVar's aggregate classification.

NM_014317.5(PDSS1):c.89G>T (p.Gly30Val)

Gene: PDSS1 (decaprenyl diphosphate synthase subunit 1; plus strand). Cytogenetic location: 10p12.1.
Variant type: single nucleotide variant.
Coding change: c.89G>T on transcript NM_014317.5 (MANE Select); coding-DNA position 89, G replaced by T.
Protein change: p.Gly30Val; replaces glycine 30 with valine.
Molecular consequence: missense variant. On other transcripts: 5 prime UTR variant (1).
Genome position (GRCh38, 1-based): chr10:26,697,800, G>T. VCF-style: chr10-26697800-G-T. GRCh37 (hg19) VCF-style: chr10-26986729-G-T.
Other names: p.G30V:GGA>GTA; p.Gly30Val; c.89G>T, p.Gly30Val (NM_001321978.2); c.-505G>T (NM_001321979.2); short protein forms G30V.
Identifiers: ClinVar variation 138687 (VCV000138687.18), dbSNP rs17855857, ClinGen allele CA292773.
Genomic context (GRCh38, chr10:26,697,800, plus strand): 5'-GCGGCTGCTCCTGGAAGCCGGCGGCGCGGAGCCCCGGGCCCGGCTCCCCCGGCCGTGCGG[G>T]ACCGTTGGGGCCGAGCGCCGCTGCCGAAGTCCGCGCGCAGGTGAGGTTGGGAGGCGCGCG-3'
Protein context (NP_055132.2, residues 20-40): SPGPGSPGRA[Gly30Val]PLGPSAAAEV